The following is an entry in ClinVar:

NM_004408.4(DNM1):c.1987C>T (p.Arg663Trp)

Gene: DNM1 (dynamin 1; plus strand). Cytogenetic location: 9q34.11.
Variant type: single nucleotide variant.
Coding change: c.1987C>T on transcript NM_004408.4 (MANE Select); coding-DNA position 1987, C replaced by T.
Protein change: p.Arg663Trp; replaces arginine 663 with tryptophan.
Molecular consequence: missense variant.
Genome position (GRCh38, 1-based): chr9:128,248,664, C>T. VCF-style: chr9-128248664-C-T. GRCh37 (hg19) VCF-style: chr9-131010943-C-T.
Other names: c.1987C>T, p.Arg663Trp (NM_001005336.3, NM_001288737.2, NM_001288738.2 and 2 more transcripts); short protein forms R663W.
Identifiers: ClinVar variation 2871656 (VCV002871656.3), dbSNP rs777360250, ClinGen allele CA5258407.
Genomic context (GRCh38, chr9:128,248,664, plus strand): 5'-GGCTCCGACAGCTTCATGCATTCCATGGACCCACAGCTGGAACGGCAAGTGGAGACCATC[C>T]GGAATCTTGTGGACTCATACATGGCCATTGTCAACAAGACCGTGAGGGACCTCATGCCCA-3'
Protein context (NP_004399.2, residues 653-673): PQLERQVETI[Arg663Trp]NLVDSYMAIV

ClinVar aggregate classification (germline): Uncertain significance (1 of 4 stars; one submission).

Conditions:
Developmental and epileptic encephalopathy, 31A. Also called: Developmental and epileptic encephalopathy, 31; Epileptic encephalopathy, early infantile, 31. Identifiers: Orphanet 2382, MedGen C4225357, MONDO:0014598, OMIM 616346.

Allele frequency attached by ClinVar (database versions not stated): ExAC 0.00001.
gnomAD v4.1: 10 of 1,614,018 alleles (0.00062%); highest among the groups gnomAD compares: East Asian, 0.0045%; no homozygotes.

Submission:

Labcorp Genetics (formerly Invitae), Labcorp
Classification: Uncertain significance for Developmental and epileptic encephalopathy, 31A. Last evaluated: 2024-08-13. Review status: criteria provided, single submitter. Criteria: Invitae Variant Classification Sherloc (09022015). Collection method: clinical testing. Allele origin: germline.
Comment: This sequence change replaces arginine, which is basic and polar, with tryptophan, which is neutral and slightly polar, at codon 663 of the DNM1 protein (p.Arg663Trp). This variant is present in population databases (rs777360250, gnomAD 0.006%). This variant has not been reported in the literature in individuals affected with DNM1-related conditions. Advanced modeling of protein sequence and biophysical properties (such as structural, functional, and spatial information, amino acid conservation, physicochemical variation, residue mobility, and thermodynamic stability) performed at Invitae indicates that this missense variant is expected to disrupt DNM1 protein function with a positive predictive value of 80%. In summary, the available evidence is currently insufficient to determine the role of this variant in disease. Therefore, it has been classified as a Variant of Uncertain Significance.